The following is an entry in ClinVar:

ClinVar aggregate classification (germline): Uncertain significance (1 of 4 stars; one submission).

Conditions:
Inborn genetic diseases. Identifiers: MedGen C0950123, MeSH D030342.

Submission:

Ambry Genetics
Classification: Uncertain significance for Inborn genetic diseases. Last evaluated: 2026-05-14. Review status: criteria provided, single submitter. Criteria: Ambry Variant Classification Scheme 2023. Collection method: clinical testing. Allele origin: germline.
Comment: The p.Q1488K variant (also known as c.4462C>A), located in coding exon 30 of the ANKRD26 gene, results from a C to A substitution at nucleotide position 4462. The glutamine at codon 1488 is replaced by lysine, an amino acid with similar properties. This amino acid position is conserved. In addition, this alteration is predicted to be tolerated by in silico analysis. Based on the available evidence, the clinical significance of this variant remains unclear.

NM_014915.3(ANKRD26):c.4462C>A (p.Gln1488Lys)

Gene: ANKRD26 (ankyrin repeat domain 26; minus strand). Cytogenetic location: 10p12.1.
Variant type: single nucleotide variant.
Coding change: c.4462C>A on transcript NM_014915.3 (MANE Select); coding-DNA position 4462, C replaced by A.
Protein change: p.Gln1488Lys; replaces glutamine 1488 with lysine.
Molecular consequence: missense variant.
Genome position (GRCh38, 1-based): chr10:27,017,546, G>T on the plus strand (C>A on the coding strand, the complement: ANKRD26 is on the minus strand). VCF-style: chr10-27017546-G-T. GRCh37 (hg19) VCF-style: chr10-27306475-G-T.
Other names: c.4459C>A, p.Gln1487Lys (NM_001256053.2); short protein forms Q1487K, Q1488K.
Identifiers: ClinVar variation 4859746 (VCV004859746.1).